The following is an entry in ClinVar:

NM_000784.4(CYP27A1):c.993G>C (p.Glu331Asp)

Gene: CYP27A1 (cytochrome P450 family 27 subfamily A member 1; plus strand). Cytogenetic location: 2q35.
Variant type: single nucleotide variant.
Coding change: c.993G>C on transcript NM_000784.4 (MANE Select); coding-DNA position 993, G replaced by C.
Protein change: p.Glu331Asp; replaces glutamic acid 331 with aspartic acid.
Molecular consequence: missense variant.
Genome position (GRCh38, 1-based): chr2:218,813,072, G>C. VCF-style: chr2-218813072-G-C. GRCh37 (hg19) VCF-style: chr2-219677795-G-C.
Other names: short protein forms E331D.
Identifiers: ClinVar variation 1768677 (VCV001768677.2), dbSNP rs2105980476, ClinGen allele CA350588966.
Genomic context (GRCh38, chr2:218,813,072, plus strand): 5'-GCACTTCTTACTGGCCAGTGGACAGCTCAGTCCTCGGGAGGCCATGGGCAGCCTGCCTGA[G>C]CTGCTCATGGCTGGAGTGGACACGGTGCGTGAAGGGGGAGGGTGAGACCAGGGGCCCCCA-3'
Protein context (NP_000775.1, residues 321-341): SPREAMGSLP[Glu331Asp]LLMAGVDTTS

ClinVar aggregate classification (germline): Uncertain significance (1 of 4 stars; one submission).

Conditions:
Cardiovascular phenotype. Identifiers: MedGen CN230736.

Submission:

Ambry Genetics
Classification: Uncertain significance for Cardiovascular phenotype. Last evaluated: 2022-08-08. Review status: criteria provided, single submitter. Criteria: Ambry Variant Classification Scheme 2023. Collection method: clinical testing. Allele origin: germline.
Comment: The p.E331D variant (also known as c.993G>C), located in coding exon 5 of the CYP27A1 gene, results from a G to C substitution at nucleotide position 993. The glutamic acid at codon 331 is replaced by aspartic acid, an amino acid with highly similar properties. This amino acid position is conserved. In addition, this alteration is predicted to be deleterious by in silico analysis. Since supporting evidence is limited at this time, the clinical significance of this alteration remains unclear.